The following is an entry in ClinVar:

ClinVar aggregate classification (germline): Conflicting classifications of pathogenicity. Review status: criteria provided, conflicting classifications (1 of 4 stars). 3 submissions from 3 submitters: Pathogenic (1); Likely pathogenic (1); Uncertain significance (1). Last evaluated 2025-11-10.

Conditions:
Infantile neuroaxonal dystrophy (NBIA2A). Also called: Infantile neuroaxonal dystrophy 1; NEURODEGENERATION WITH BRAIN IRON ACCUMULATION 2A; SEITELBERGER DISEASE. Identifiers: Orphanet 35069, MedGen C0270724, MONDO:0024457, OMIM 256600.
PLA2G6-associated neurodegeneration (PLAN). Also called: phospholipase A2-associated neurodegeneration. Identifiers: Orphanet 329303, MedGen CN204472, MONDO:0017998.

Allele frequency attached by ClinVar (database versions not stated): ExAC 0.00001; gnomAD exomes 0.00001.
gnomAD v4.1: 13 of 1,613,630 alleles (0.00081%); highest among the groups gnomAD compares: South Asian, 0.013%; no homozygotes.

Submissions (3):

Victorian Clinical Genetics Services, Murdoch Childrens Research Institute
Classification: Likely pathogenic for PLA2G6-associated neurodegeneration. Last evaluated: 2025-11-10. Review status: criteria provided, single submitter. Criteria: ACMG Guidelines, 2015. Collection method: clinical testing. Allele origin: germline. Affected: yes.
Comment: This variant is classified as Likely pathogenic. Evidence in support of pathogenic classification: Variant is present in gnomAD <0.01 for a recessive condition (v4: 13 heterozygote(s), 0 homozygote(s)); This variant has limited previous evidence of pathogenicity in unrelated individuals. This variant has been reported in a homozygous state in at least one individual in the literature with PLA2G6-associated neurodegeneration (PMIDs: 27516098, 39796207); Strong phenotype match for this individual. Additional information: Variant is predicted to result in a missense amino acid change from Ile to Asn; This variant is heterozygous; This gene is associated with autosomal recessive disease; Alternative amino acid change(s) at the same position are present in gnomAD (highest allele count: v4: 2 heterozygote(s), 0 homozygote(s)); No published evidence of segregation with disease has been identified for this variant; No published functional evidence has been identified for this variant; No comparable missense variants have previous evidence for pathogenicity; Variant is located in the annotated ankyrin domain (DECIPHER); Missense variant with inconclusive in silico prediction and uninformative conservation; Loss of function is a known mechanism of disease in this gene and is associated with PLA2G6-associated neurodegeneration (MONDO:0017998); Variants in this gene are known to have variable expressivity. Intrafamilial variability has been reported (PMID: 34622992).

Kamboh's Lab, University of Pittsburgh
Classification: Pathogenic for Infantile neuroaxonal dystrophy. Last evaluated: 2023-06-14. Review status: criteria provided, single submitter. Criteria: ACMG Guidelines, 2015. Collection method: research. Allele origin: biparental. Inheritance: Autosomal recessive inheritance. Affected: yes. Observed: 9 variant alleles.
Comment: The c.1097T>A (p.Ile366Asn) pathogenic variant was identified in a Pakistani family and has been reported for the first time. This variant was detected in nine individuals within the family. Two couples of this family, who had affected offsprings, were found to be heterozygous carriers of the pathogenic variant.

Broad Center for Mendelian Genomics, Broad Institute of MIT and Harvard
Classification: Uncertain significance for PLA2G6-associated neurodegeneration. Last evaluated: 2023-01-24. Review status: criteria provided, single submitter. Criteria: ACMG Guidelines, 2015. Collection method: curation. Allele origin: germline. Inheritance: Autosomal recessive inheritance.
Comment: The p.Ile366Asn variant in PLA2G6 has been reported in 1 individual, in the homozygous state, with PLA2G6-associated neurodegeneration (PMID: 27516098) and has been identified in 0.003% (1/30616) of South Asian chromosomes by the Genome Aggregation Database (gnomAD; dbSNP ID: rs778225931). Although this variant has been seen in the general population in a heterozygous state, its frequency is low enough to be consistent with a recessive carrier frequency. Computational prediction tools and conservation analyses do not provide strong support for or against an impact to the protein. In summary, the clinical significance of the p.Ile366Asn variant is uncertain. ACMG/AMP Criteria applied: PM2_supporting, PM3_supporting (Richards 2015).

Literature cited by the submitters: PubMed 34622992 (cited by Victorian Clinical Genetics Services, Murdoch Childrens Research Institute); PubMed 27516098 (cited by Victorian Clinical Genetics Services, Murdoch Childrens Research Institute); PubMed 39796207 (cited by Victorian Clinical Genetics Services, Murdoch Childrens Research Institute); PubMed 30619446 (cited by Kamboh's Lab, University of Pittsburgh); PubMed 35873758 (cited by Kamboh's Lab, University of Pittsburgh); PubMed 27884548 (cited by Kamboh's Lab, University of Pittsburgh).

NM_003560.4(PLA2G6):c.1097T>A (p.Ile366Asn)

Gene: PLA2G6 (phospholipase A2 group VI; minus strand). Cytogenetic location: 22q13.1.
Variant type: single nucleotide variant.
Coding change: c.1097T>A on transcript NM_003560.4 (MANE Select); coding-DNA position 1097, T replaced by A.
Protein change: p.Ile366Asn; replaces isoleucine 366 with asparagine.
Molecular consequence: missense variant.
Genome position (GRCh38, 1-based): chr22:38,129,543, A>T on the plus strand (T>A on the coding strand, the complement: PLA2G6 is on the minus strand). VCF-style: chr22-38129543-A-T. GRCh37 (hg19) VCF-style: chr22-38525550-A-T.
Other names: NM_001004426.3:c.1097T>A; c.1097T>A, p.Ile366Asn (NM_001004426.3, NM_001199562.3, NM_001349864.2 and 2 more transcripts); c.563T>A, p.Ile188Asn (NM_001349867.2, NM_001349869.2); c.419T>A, p.Ile140Asn (NM_001349868.2); short protein forms I140N, I188N, I366N.
Identifiers: ClinVar variation 2412649 (VCV002412649.5), dbSNP rs778225931, ClinGen allele CA10231022.